The following is an entry in ClinVar:

NM_000038.6(APC):c.7987G>A (p.Asp2663Asn)

Gene: APC (APC regulator of Wnt signaling pathway; plus strand). Cytogenetic location: 5q22.2.
Variant type: single nucleotide variant.
Coding change: c.7987G>A on transcript NM_000038.6 (MANE Select); coding-DNA position 7987, G replaced by A.
Protein change: p.Asp2663Asn; replaces aspartic acid 2663 with asparagine.
Molecular consequence: missense variant.
Genome position (GRCh38, 1-based): chr5:112,843,581, G>A. VCF-style: chr5-112843581-G-A. GRCh37 (hg19) VCF-style: chr5-112179278-G-A.
Other names: c.7987G>A, p.Asp2663Asn (NM_001127510.3, NM_001354895.2, NM_001407450.1); c.7933G>A, p.Asp2645Asn (NM_001127511.3); c.8041G>A, p.Asp2681Asn (NM_001354896.2, NM_001407447.1, NM_001407448.1 and 1 more transcripts); c.8017G>A, p.Asp2673Asn (NM_001354897.2); c.7912G>A, p.Asp2638Asn (NM_001354898.2); c.7903G>A, p.Asp2635Asn (NM_001354899.2); c.7864G>A, p.Asp2622Asn (NM_001354900.2); c.7810G>A, p.Asp2604Asn (NM_001354901.2, NM_001407453.1); and 12 more; short protein forms D2380N, D2580N, D2638N, D2645N, D2653N, D2656N, D2663N, D2673N.
Identifiers: ClinVar variation 2001344 (VCV002001344.5), dbSNP rs1486622959, ClinGen allele CA16038677.

ClinVar aggregate classification (germline): Uncertain significance. Review status: criteria provided, multiple submitters, no conflicts (2 of 4 stars). 2 submissions from 2 submitters: Uncertain significance (2). Last evaluated 2024-07-28.

Conditions:
Hereditary cancer-predisposing syndrome. Also called: Hereditary neoplastic syndrome; Hereditary Cancer Syndrome; Tumor predisposition; Neoplastic Syndromes, Hereditary. Identifiers: Orphanet 140162, MedGen C0027672, MeSH D009386, MONDO:0015356.
Familial adenomatous polyposis 1 (FAP1). Also called: POLYPOSIS, ADENOMATOUS INTESTINAL; FAMILIAL ADENOMATOUS POLYPOSIS 1, ATTENUATED. Identifiers: MedGen C2713442, MONDO:0021056, OMIM 175100. Disease mechanism: loss of function.

Submissions (2):

Ambry Genetics
Classification: Uncertain significance for Hereditary cancer-predisposing syndrome. Last evaluated: 2024-07-28. Review status: criteria provided, single submitter. Criteria: Ambry Variant Classification Scheme 2023. Collection method: clinical testing. Allele origin: germline.
Comment: The p.D2663N variant (also known as c.7987G>A), located in coding exon 15 of the APC gene, results from a G to A substitution at nucleotide position 7987. The aspartic acid at codon 2663 is replaced by asparagine, an amino acid with highly similar properties. This amino acid position is conserved. In addition, in silico predictors for this gene do not accurately predict pathogenicity. Based on the available evidence, the clinical significance of this variant remains unclear.

Labcorp Genetics (formerly Invitae), Labcorp
Classification: Uncertain significance for Familial adenomatous polyposis 1. Last evaluated: 2022-05-31. Review status: criteria provided, single submitter. Criteria: Invitae Variant Classification Sherloc (09022015). Collection method: clinical testing. Allele origin: germline.
Comment: This sequence change replaces aspartic acid, which is acidic and polar, with asparagine, which is neutral and polar, at codon 2663 of the APC protein (p.Asp2663Asn). This variant is not present in population databases (gnomAD no frequency). This variant has not been reported in the literature in individuals affected with APC-related conditions. Algorithms developed to predict the effect of missense changes on protein structure and function are either unavailable or do not agree on the potential impact of this missense change (SIFT: "Tolerated"; PolyPhen-2: "Probably Damaging"; Align-GVGD: "Class C0"). In summary, the available evidence is currently insufficient to determine the role of this variant in disease. Therefore, it has been classified as a Variant of Uncertain Significance.